The following is an entry in ClinVar:

NM_005379.4(MYO1A):c.2987C>T (p.Thr996Ile)

Gene: MYO1A (myosin IA; minus strand). Cytogenetic location: 12q13.3.
Variant type: single nucleotide variant.
Coding change: c.2987C>T on transcript NM_005379.4 (MANE Select); coding-DNA position 2987, C replaced by T.
Protein change: p.Thr996Ile; replaces threonine 996 with isoleucine.
Molecular consequence: missense variant.
Genome position (GRCh38, 1-based): chr12:57,029,150, G>A on the plus strand (C>T on the coding strand, the complement: MYO1A is on the minus strand). VCF-style: chr12-57029150-G-A. GRCh37 (hg19) VCF-style: chr12-57422934-G-A.
Other names: c.2987C>T, p.Thr996Ile (NM_001256041.2); short protein forms T996I.
Identifiers: ClinVar variation 45311 (VCV000045311.7), dbSNP rs17119344, ClinGen allele CA136010.
Genomic context (GRCh38, chr12:57,029,150, plus strand): 5'-ATCTACCGTAAGCCGCCCCTCACCCCCAGTTCATGGCCTCACTTCTCAGTCACGGTGACT[G>A]TAAGCTGCCTCTGCGTGGCATCCAGCACAGCCCGGTACATTTTGGTCAGCAGTTCAATCA-3'
Protein context (NP_005370.1, residues 986-1006): AVLDATQRQL[Thr996Ile]VTVTEKFSVR

ClinVar aggregate classification (germline): Benign. Review status: criteria provided, multiple submitters, no conflicts (2 of 4 stars). 4 submissions from 4 submitters: Benign (4). Last evaluated 2017-05-09.

Allele frequency attached by ClinVar (database versions not stated): gnomAD exomes 0.08507 and 0.09516; ESP Exome Variant Server 0.08535; gnomAD 0.08795 and 0.08993; TOPMed 0.08913; ExAC 0.09443; 1000 Genomes Project 30x 0.11805; 1000 Genomes Project 0.11961.
gnomAD v4.1: 137,995 of 1,613,994 alleles (8.5%); highest among the groups gnomAD compares: East Asian, 14%; 6,213 homozygotes.

Submissions (4):

GeneDx
Classification: Benign. Last evaluated: 2017-05-09. Review status: criteria provided, single submitter. Criteria: GeneDx Variant Classification (06012015). Collection method: clinical testing. Allele origin: germline. Affected: yes.
Comment: This variant is considered likely benign or benign based on one or more of the following criteria: it is a conservative change, it occurs at a poorly conserved position in the protein, it is predicted to be benign by multiple in silico algorithms, and/or has population frequency not consistent with disease.

Laboratory for Molecular Medicine, Mass General Brigham Personalized Medicine
Classification: Benign. Last evaluated: 2012-05-07. Review status: criteria provided, single submitter. Criteria: LMM Criteria. Collection method: clinical testing. Allele origin: germline. Observed: 105 variant alleles.
Comment: Thr996Ile in Exon 27 of MYO1A: This variant is not expected to have clinical sig nificance because it has been identified in 8.6% (605/7020) of European American chromosomes from a broad population by the NHLBI Exome Sequencing Project (dbSNP rs17119344).

Breakthrough Genomics
Classification: Benign. Review status: criteria provided, single submitter. Criteria: ACMG Guidelines, 2015. Collection method: not provided. Allele origin: germline. Inheritance: Unknown mechanism. Affected: yes.

PreventionGenetics, part of Exact Sciences
Classification: Benign. Review status: criteria provided, single submitter. Criteria: ACMG Guidelines, 2015. Collection method: clinical testing. Allele origin: germline.